The following is an entry in ClinVar:

ClinVar aggregate classification (germline): Pathogenic/Likely pathogenic. Review status: criteria provided, multiple submitters, no conflicts (2 of 4 stars). 2 submissions from 2 submitters: Pathogenic (1); Likely pathogenic (1). Last evaluated 2024-06-28.

Conditions:
Medium-chain acyl-coenzyme A dehydrogenase deficiency (ACADMD). Also called: MCADH DEFICIENCY; ACADM DEFICIENCY; MCADD; MCAD Deficiency; CARNITINE DEFICIENCY SECONDARY TO MEDIUM-CHAIN ACYL-CoA DEHYDROGENASE DEFICIENCY; Medium chain acyl-CoA dehydrogenase deficiency. Identifiers: Orphanet 42, MedGen C0220710, MONDO:0008721, OMIM 201450.

Allele frequency attached by ClinVar (database versions not stated): gnomAD exomes below 0.00001.

Submissions (2):

Natera, Inc.
Classification: Likely pathogenic for Medium Chain Acyl-CoA Dehydrogenase Deficiency. Last evaluated: 2024-06-28. Review status: criteria provided, single submitter. Criteria: Natera Variant Classification Schema (03/2026). Collection method: clinical testing. Allele origin: germline.
Comment: The c.1226_1227delTT variant in ACADM is a frameshift variant predicted to shift the reading frame beginning at codon 409 and leads to a stop codon 5 codons downstream. This variant is expected to result in nonsense mediated decay, truncation, or a dysfunctional protein product. This variant is rare in the general population with a frequency below the threshold expected for the associated phenotype(s). Given the available evidence, this variant is classified as Likely Pathogenic.

Labcorp Genetics (formerly Invitae), Labcorp
Classification: Pathogenic for Medium-chain acyl-coenzyme A dehydrogenase deficiency. Last evaluated: 2023-12-01. Review status: criteria provided, single submitter. Criteria: Invitae Variant Classification Sherloc (09022015). Collection method: clinical testing. Allele origin: germline.
Comment: This sequence change creates a premature translational stop signal (p.Leu409Hisfs*5) in the ACADM gene. While this is not anticipated to result in nonsense mediated decay, it is expected to disrupt the last 13 amino acid(s) of the ACADM protein. This variant is not present in population databases (gnomAD no frequency). This variant has not been reported in the literature in individuals affected with ACADM-related conditions. ClinVar contains an entry for this variant (Variation ID: 2117181). This variant disrupts a region of the ACADM protein in which other variant(s) (p.Ile410Thr) have been determined to be pathogenic (PMID: 31012112; Invitae). This suggests that this is a clinically significant region of the protein, and that variants that disrupt it are likely to be disease-causing. For these reasons, this variant has been classified as Pathogenic.

Literature cited by the submitters: PubMed 31012112 (cited by Labcorp Genetics (formerly Invitae), Labcorp).

NM_000016.6(ACADM):c.1226_1227del (p.Leu409fs)

Gene: ACADM (acyl-CoA dehydrogenase medium chain; plus strand). Cytogenetic location: 1p31.1.
Variant type: Deletion.
Coding change: c.1226_1227del on transcript NM_000016.6 (MANE Select); coding-DNA positions 1226 to 1227, 2 bases deleted (TT; older notation c.1226_1227delTT).
Protein change: p.Leu409fs; shifts the reading frame from leucine 409.
Molecular consequence: frameshift variant.
Genome position (GRCh38, 1-based): chr1:75,762,723-75,762,724, TT deleted. VCF-style (leftmost placement, unchanged base first): chr1-75762722-CTT-C. GRCh37 (hg19) VCF-style: chr1-76228407-CTT-C.
Other names: c.1238_1239del, p.Leu413fs (NM_001127328.3); c.1118_1119del, p.Leu373fs (NM_001286042.2); c.1325_1326del, p.Leu442fs (NM_001286043.2); c.659_660del, p.Leu220fs (NM_001286044.2); short protein forms L220fs, L373fs, L413fs, L442fs, L409fs.
Identifiers: ClinVar variation 2117181 (VCV002117181.5), dbSNP rs2525706737, ClinGen allele CA2580063237.
Genomic context (GRCh38, chr1:75,762,722, plus strand): 5'-ATTTAACCTACACTTATATTTTTCTTGCAGATTTATGAAGGTACTTCACAAATTCAAAGA[CTT>C]ATTGTAGCCCGTGAACACATTGACAAGTACAAAAATTAAAAAAATTACTGTAGAAATATT-3'